The following is an entry in ClinVar:

ClinVar aggregate classification (germline): Uncertain significance (1 of 4 stars; one submission).

Conditions:
ARL15-related disorder. Also called: ARL15-related condition.

Submission:

PreventionGenetics, part of Exact Sciences
Classification: Uncertain significance for ARL15-related condition. Last evaluated: 2023-08-24. Review status: criteria provided, single submitter. Criteria: ACMG Guidelines, 2015. Collection method: clinical testing. Allele origin: germline.
Comment: The ARL15 c.253+3A>T variant is predicted to interfere with splicing. To our knowledge, this variant has not been reported in the literature or in a large population database, indicating this variant is rare. At this time, the clinical significance of this variant is uncertain due to the absence of conclusive functional and genetic evidence.

NM_019087.3(ARL15):c.253+3A>T

Gene: ARL15 (ARF like GTPase 15; minus strand). Cytogenetic location: 5q11.2.
Variant type: single nucleotide variant.
Coding change: c.253+3A>T on transcript NM_019087.3 (MANE Select); 3 bases into the intron after coding-DNA position 253, A replaced by T.
Molecular consequence: intron variant.
Genome position (GRCh38, 1-based): chr5:54,154,577, T>A on the plus strand (A>T on the coding strand, the complement: ARL15 is on the minus strand). VCF-style: chr5-54154577-T-A. GRCh37 (hg19) VCF-style: chr5-53450407-T-A.
Identifiers: ClinVar variation 2630875 (VCV002630875.1), dbSNP rs2531328445, ClinGen allele CA2695198606.